The following is an entry in ClinVar:

ClinVar aggregate classification (germline): Uncertain significance. Review status: criteria provided, multiple submitters, no conflicts (2 of 4 stars). 3 submissions from 3 submitters: Uncertain significance (3). Last evaluated 2023-04-11.

Conditions:
Developmental and epileptic encephalopathy, 18 (DEE18). Also called: Early infantile epileptic encephalopathy 18. Identifiers: Orphanet 369894, MedGen C3809624, MONDO:0014201, OMIM 615476.

Allele frequency attached by ClinVar (database versions not stated): ExAC 0.00001; gnomAD 0.00001; gnomAD exomes 0.00001 and 0.00003; TOPMed 0.00002.
gnomAD v4.1: 51 of 1,613,980 alleles (0.0032%); highest among the groups gnomAD compares: Non-Finnish European, 0.004%; no homozygotes.

Submissions (3):

Genome-Nilou Lab
Classification: Uncertain significance for Developmental and epileptic encephalopathy, 18. Last evaluated: 2023-04-11. Review status: criteria provided, single submitter. Criteria: ACMG Guidelines, 2015. Collection method: clinical testing. Allele origin: germline. Affected: no.

Labcorp Genetics (formerly Invitae), Labcorp
Classification: Uncertain significance. Last evaluated: 2022-09-07. Review status: criteria provided, single submitter. Criteria: Invitae Variant Classification Sherloc (09022015). Collection method: clinical testing. Allele origin: germline.
Comment: This sequence change replaces arginine, which is basic and polar, with tryptophan, which is neutral and slightly polar, at codon 2049 of the SZT2 protein (p.Arg2049Trp). This variant is present in population databases (rs769396036, gnomAD 0.003%). This variant has not been reported in the literature in individuals affected with SZT2-related conditions. ClinVar contains an entry for this variant (Variation ID: 1004280). Algorithms developed to predict the effect of missense changes on protein structure and function are either unavailable or do not agree on the potential impact of this missense change (SIFT: "Deleterious"; PolyPhen-2: "Probably Damaging"; Align-GVGD: "Class C0"). In summary, the available evidence is currently insufficient to determine the role of this variant in disease. Therefore, it has been classified as a Variant of Uncertain Significance.

GeneDx
Classification: Uncertain significance. Last evaluated: 2021-05-20. Review status: criteria provided, single submitter. Criteria: GeneDx Variant Classification Process June 2021. Collection method: clinical testing. Allele origin: germline. Affected: yes.
Comment: Has not been previously published as pathogenic or benign to our knowledge; In silico analysis supports that this missense variant has a deleterious effect on protein structure/function; Not observed at a significant frequency in large population cohorts (Lek et al., 2016)

NM_001365999.1(SZT2):c.6316C>T (p.Arg2106Trp)

Gene: SZT2 (SZT2 subunit of KICSTOR complex; plus strand). Cytogenetic location: 1p34.2.
Variant type: single nucleotide variant.
Coding change: c.6316C>T on transcript NM_001365999.1 (MANE Select); coding-DNA position 6316, C replaced by T.
Protein change: p.Arg2106Trp; replaces arginine 2106 with tryptophan.
Molecular consequence: missense variant.
Genome position (GRCh38, 1-based): chr1:43,437,620, C>T. VCF-style: chr1-43437620-C-T. GRCh37 (hg19) VCF-style: chr1-43903291-C-T.
Other names: c.6145C>T, p.Arg2049Trp (NM_015284.4); short protein forms R2049W, R2106W.
Identifiers: ClinVar variation 1004280 (VCV001004280.8), dbSNP rs769396036, ClinGen allele CA809846.